The following is an entry in ClinVar:

NM_133642.5(LARGE1):c.220G>A (p.Glu74Lys)

Gene: LARGE1 (LARGE xylosyl- and glucuronyltransferase 1; minus strand). Cytogenetic location: 22q12.3.
Variant type: single nucleotide variant.
Coding change: c.220G>A on transcript NM_133642.5 (MANE Select); coding-DNA position 220, G replaced by A.
Protein change: p.Glu74Lys; replaces glutamic acid 74 with lysine.
Molecular consequence: missense variant.
Genome position (GRCh38, 1-based): chr22:33,650,555, C>T on the plus strand (G>A on the coding strand, the complement: LARGE1 is on the minus strand). VCF-style: chr22-33650555-C-T. GRCh37 (hg19) VCF-style: chr22-34046541-C-T.
Other names: c.220G>A (NM_004737.6); c.220G>A, p.Glu74Lys (NM_001362949.2, NM_001362951.2, NM_001362953.2 and 7 more transcripts); short protein forms E74K.
Identifiers: ClinVar variation 902997 (VCV000902997.10), dbSNP rs757062605, ClinGen allele CA10203123.

ClinVar aggregate classification (germline): Uncertain significance. Review status: criteria provided, multiple submitters, no conflicts (2 of 4 stars). 4 submissions from 3 submitters: Uncertain significance (4). Last evaluated 2021-09-24.

Conditions:
Muscular dystrophy-dystroglycanopathy (congenital with brain and eye anomalies), type A6. Also called: MUSCULAR DYSTROPHY-DYSTROGLYCANOPATHY (CONGENITAL WITH BRAIN AND EYE ANOMALIES), TYPE A, 6; WALKER-WARBURG SYNDROME OR MUSCLE-EYE-BRAIN DISEASE, LARGE-RELATED. Identifiers: Orphanet 588, Orphanet 899, MedGen C3150414, MONDO:0013158, OMIM 613154.
Muscular dystrophy-dystroglycanopathy type B6 (MDDGB6). Also called: MUSCULAR DYSTROPHY-DYSTROGLYCANOPATHY (CONGENITAL WITH IMPAIRED INTELLECTUAL DEVELOPMENT), TYPE B, 6; MUSCULAR DYSTROPHY, CONGENITAL, LARGE-RELATED; MUSCULAR DYSTROPHY, CONGENITAL, TYPE 1D. Identifiers: MedGen C1837229, MONDO:0012138, OMIM 608840.

Allele frequency attached by ClinVar (database versions not stated): gnomAD below 0.00001 and 0.00001; gnomAD exomes 0.00001 and 0.00002; ExAC 0.00002.
gnomAD v4.1: 17 of 1,609,080 alleles (0.0011%); highest among the groups gnomAD compares: Middle Eastern, 0.05%; 1 homozygote.

Submissions (4):

Labcorp Genetics (formerly Invitae), Labcorp
Classification: Uncertain significance for Muscular dystrophy-dystroglycanopathy type B6. Last evaluated: 2021-09-24. Review status: criteria provided, single submitter. Criteria: Invitae Variant Classification Sherloc (09022015). Collection method: clinical testing. Allele origin: germline.
Comment: This sequence change replaces glutamic acid with lysine at codon 74 of the LARGE1 protein (p.Glu74Lys). The glutamic acid residue is moderately conserved and there is a small physicochemical difference between glutamic acid and lysine. This variant is present in population databases (rs757062605, ExAC 0.002%). This variant has not been reported in the literature in individuals affected with LARGE1-related conditions. ClinVar contains an entry for this variant (Variation ID: 902997). Algorithms developed to predict the effect of missense changes on protein structure and function are either unavailable or do not agree on the potential impact of this missense change (SIFT: "Deleterious"; PolyPhen-2: "Benign"; Align-GVGD: "Class C0"). In summary, the available evidence is currently insufficient to determine the role of this variant in disease. Therefore, it has been classified as a Variant of Uncertain Significance.

Revvity Omics, Revvity
Classification: Uncertain significance. Last evaluated: 2020-11-09. Review status: criteria provided, single submitter. Criteria: ACMG Guidelines, 2015. Collection method: clinical testing. Allele origin: germline.

Illumina Laboratory Services, Illumina
Classification: Uncertain significance for Muscular dystrophy-dystroglycanopathy (congenital with brain and eye anomalies), type A6. Last evaluated: 2018-01-12. Review status: criteria provided, single submitter. Criteria: ICSL Variant Classification Criteria 13 December 2019. Collection method: clinical testing. Allele origin: germline.

Illumina Laboratory Services, Illumina
Classification: Uncertain significance for Muscular dystrophy-dystroglycanopathy type B6. Last evaluated: 2018-01-12. Review status: criteria provided, single submitter. Criteria: ICSL Variant Classification Criteria 13 December 2019. Collection method: clinical testing. Allele origin: germline.